The following is an entry in ClinVar:

ClinVar aggregate classification (germline): Uncertain significance (1 of 4 stars; one submission).

Allele frequency attached by ClinVar (database versions not stated): TOPMed below 0.00001.

Submission:

Ambry Genetics
Classification: Uncertain significance. Last evaluated: 2022-09-16. Review status: criteria provided, single submitter. Criteria: Ambry Variant Classification Scheme 2023. Collection method: clinical testing. Allele origin: germline.
Comment: The p.H614L variant (also known as c.1841A>T), located in coding exon 9 of the PALLD gene, results from an A to T substitution at nucleotide position 1841. The histidine at codon 614 is replaced by leucine, an amino acid with similar properties. This amino acid position is conserved. In addition, this alteration is predicted to be tolerated by in silico analysis. Since supporting evidence is limited at this time, the clinical significance of this alteration remains unclear.

NM_001166108.2(PALLD):c.1841A>T (p.His614Leu)

Gene: PALLD (palladin, cytoskeletal associated protein; plus strand). Cytogenetic location: 4q32.3.
Variant type: single nucleotide variant.
Coding change: c.1841A>T on transcript NM_001166108.2 (MANE Select); coding-DNA position 1841, A replaced by T.
Protein change: p.His614Leu; replaces histidine 614 with leucine.
Molecular consequence: missense variant.
Genome position (GRCh38, 1-based): chr4:168,711,800, A>T. VCF-style: chr4-168711800-A-T. GRCh37 (hg19) VCF-style: chr4-169632951-A-T.
Other names: c.695A>T, p.His232Leu (NM_001166109.2); c.1841A>T, p.His614Leu (NM_016081.4); short protein forms H614L, H232L.
Identifiers: ClinVar variation 1781165 (VCV001781165.2), dbSNP rs1184631555, ClinGen allele CA358798454.